The following is an entry in ClinVar:

ClinVar aggregate classification (germline): Likely pathogenic (1 of 4 stars; one submission).

Conditions:
Striatonigral degeneration, childhood-onset (SNDC). Also called: LENK-PLOSKI SYNDROME. Identifiers: Orphanet 497906, MedGen C4310743, MONDO:0014889, OMIM 617054.

Allele frequency attached by ClinVar (database versions not stated): gnomAD exomes below 0.00001.
gnomAD v4.1: 3 of 1,614,156 alleles (0.00019%); highest among the groups gnomAD compares: Non-Finnish European, 0.00025%; no homozygotes.

Submission:

Neuberg Centre For Genomic Medicine, NCGM
Classification: Likely pathogenic for Striatonigral degeneration, childhood-onset. Last evaluated: 2023-02-14. Review status: criteria provided, single submitter. Criteria: ACMG Guidelines, 2015. Collection method: clinical testing. Allele origin: germline. Inheritance: Autosomal recessive inheritance. Affected: yes.
Comment: The stop gained c.921C>A(p.Cys307Ter) variant in VAC14 gene has not been reported previously as a pathogenic variant nor a benign variant, to our knowledge. The c.921C>A variant is novel (not in any individuals) in gnomAD Exomes and 1000 Genomes. This variant has not been reported to the ClinVar database. The nucleotide change c.921C>A in VAC14 is predicted as conserved by GERP++ and PhyloP across 100 vertebrates. This variant is predicted to cause loss of normal protein function through protein truncation. Loss of function variants have been previously reported to be disease causing. For these reasons, this variant has been classified as Likely Pathogenic.

NM_018052.5(VAC14):c.921C>A (p.Cys307Ter)

Gene: VAC14 (VAC14 component of PIKFYVE complex; minus strand). Cytogenetic location: 16q22.1.
Variant type: single nucleotide variant.
Coding change: c.921C>A on transcript NM_018052.5 (MANE Select); coding-DNA position 921, C replaced by A.
Protein change: p.Cys307Ter; replaces cysteine 307 with a stop codon.
Molecular consequence: nonsense.
Genome position (GRCh38, 1-based): chr16:70,781,894, G>T on the plus strand (C>A on the coding strand, the complement: VAC14 is on the minus strand). VCF-style: chr16-70781894-G-T. GRCh37 (hg19) VCF-style: chr16-70815797-G-T.
Other names: c.219C>A, p.Cys73Ter (NM_001351157.2); short protein forms C307*, C73*.
Identifiers: ClinVar variation 2664898 (VCV002664898.1), dbSNP rs2507738804, ClinGen allele CA396608438.